The following is an entry in ClinVar:

NM_024652.6(LRRK1):c.850G>T (p.Asp284Tyr)

Gene: LRRK1 (leucine rich repeat kinase 1; plus strand). Cytogenetic location: 15q26.3.
Variant type: single nucleotide variant.
Coding change: c.850G>T on transcript NM_024652.6 (MANE Select); coding-DNA position 850, G replaced by T.
Protein change: p.Asp284Tyr; replaces aspartic acid 284 with tyrosine.
Molecular consequence: missense variant.
Genome position (GRCh38, 1-based): chr15:101,008,924, G>T. VCF-style: chr15-101008924-G-T. GRCh37 (hg19) VCF-style: chr15-101549129-G-T.
Other names: short protein forms D284Y.
Identifiers: ClinVar variation 3390641 (VCV003390641.1).

ClinVar aggregate classification (germline): Uncertain significance (1 of 4 stars; one submission).

Submission:

GeneDx
Classification: Uncertain significance. Last evaluated: 2023-08-10. Review status: criteria provided, single submitter. Criteria: GeneDx Variant Classification Process June 2021. Collection method: clinical testing. Allele origin: germline. Affected: yes.
Comment: Not observed at significant frequency in large population cohorts (gnomAD); In silico analysis supports that this missense variant has a deleterious effect on protein structure/function; Has not been previously published as pathogenic or benign to our knowledge; Variants in candidate genes are classified as variants of uncertain significance in accordance with ACMG guidelines (Richards et al., 2015)